The following is an entry in ClinVar:

ClinVar aggregate classification (germline): Uncertain significance (1 of 4 stars; one submission).

Allele frequency attached by ClinVar (database versions not stated): gnomAD exomes below 0.00001.
gnomAD v4.1: 1 of 1,614,186 alleles (0.000062%); highest among the groups gnomAD compares: Non-Finnish European, 0.000085%; no homozygotes.

Submission:

Labcorp Genetics (formerly Invitae), Labcorp
Classification: Uncertain significance. Last evaluated: 2023-11-27. Review status: criteria provided, single submitter. Criteria: Invitae Variant Classification Sherloc (09022015). Collection method: clinical testing. Allele origin: germline.
Comment: This sequence change replaces valine, which is neutral and non-polar, with methionine, which is neutral and non-polar, at codon 2464 of the SZT2 protein (p.Val2464Met). This variant is present in population databases (no rsID available, gnomAD 0.0009%). This variant has not been reported in the literature in individuals affected with SZT2-related conditions. ClinVar contains an entry for this variant (Variation ID: 1007705). Advanced modeling of protein sequence and biophysical properties (such as structural, functional, and spatial information, amino acid conservation, physicochemical variation, residue mobility, and thermodynamic stability) performed at Invitae indicates that this missense variant is not expected to disrupt SZT2 protein function with a negative predictive value of 80%. In summary, the available evidence is currently insufficient to determine the role of this variant in disease. Therefore, it has been classified as a Variant of Uncertain Significance.

NM_001365999.1(SZT2):c.7561G>A (p.Val2521Met)

Gene: SZT2 (SZT2 subunit of KICSTOR complex; plus strand). Cytogenetic location: 1p34.2.
Variant type: single nucleotide variant.
Coding change: c.7561G>A on transcript NM_001365999.1 (MANE Select); coding-DNA position 7561, G replaced by A.
Protein change: p.Val2521Met; replaces valine 2521 with methionine.
Molecular consequence: missense variant.
Genome position (GRCh38, 1-based): chr1:43,441,553, G>A. VCF-style: chr1-43441553-G-A. GRCh37 (hg19) VCF-style: chr1-43907224-G-A.
Other names: c.7390G>A, p.Val2464Met (NM_015284.4); short protein forms V2464M, V2521M.
Identifiers: ClinVar variation 1007705 (VCV001007705.9), dbSNP rs1435867012, ClinGen allele CA340035285.